The following is an entry in ClinVar:

NM_032806.6(POMGNT2):c.588C>T (p.Gly196=)

Gene: POMGNT2 (protein O-linked mannose N-acetylglucosaminyltransferase 2 (beta 1,4-); minus strand). Cytogenetic location: 3p22.1.
Variant type: single nucleotide variant.
Coding change: c.588C>T on transcript NM_032806.6 (MANE Select); coding-DNA position 588, C replaced by T.
Protein change: p.Gly196=; no amino-acid change (glycine 196 retained).
Molecular consequence: synonymous variant.
Genome position (GRCh38, 1-based): chr3:43,080,844, G>A on the plus strand (C>T on the coding strand, the complement: POMGNT2 is on the minus strand). VCF-style: chr3-43080844-G-A. GRCh37 (hg19) VCF-style: chr3-43122336-G-A.
Identifiers: ClinVar variation 704087 (VCV000704087.40), dbSNP rs755425952, ClinGen allele CA2340034.
Genomic context (GRCh38, chr3:43,080,844, plus strand): 5'-CAGGAGAGGCTGCTTGGGGCTGAGCAGCTTGTAGAGGTCGAAGTGTGCACCCTCGCCCCA[G>A]CCCTCCATGAAGAAGAGCCGTGCCTCGTGGGCCAGGCCGGGAAACTGCCGCAGGGTGTAG-3'
Protein context (NP_116195.2, residues 186-206): AHEARLFFME[Gly196=]WGEGAHFDLY

ClinVar aggregate classification (germline): Likely benign. Review status: criteria provided, multiple submitters, no conflicts (2 of 4 stars). 5 submissions from 5 submitters: Likely benign (5). Last evaluated 2025-08-10.

Conditions:
POMGNT2-related disorder. Also called: POMGNT2-related condition.
Muscular dystrophy-dystroglycanopathy (congenital with brain and eye anomalies), type a, 8 (MDDGA8). Also called: WALKER-WARBURG SYNDROME OR MUSCLE-EYE-BRAIN DISEASE, GTDC2-RELATED. Identifiers: Orphanet 899, MedGen C3553813, MONDO:0013904, OMIM 614830.

Allele frequency attached by ClinVar (database versions not stated): TOPMed below 0.00001; gnomAD 0.00001; gnomAD exomes 0.00002; ExAC 0.00003.
gnomAD v4.1: 25 of 1,613,952 alleles (0.0015%); highest among the groups gnomAD compares: Middle Eastern, 0.049%; no homozygotes.

Submissions (5):

Labcorp Genetics (formerly Invitae), Labcorp
Classification: Likely benign for Muscular dystrophy-dystroglycanopathy (congenital with brain and eye anomalies), type a, 8. Last evaluated: 2025-08-10. Review status: criteria provided, single submitter. Criteria: Invitae Variant Classification Sherloc (09022015). Collection method: clinical testing. Allele origin: germline.

PreventionGenetics, part of Exact Sciences
Classification: Likely benign for POMGNT2-related condition. Last evaluated: 2025-07-14. Review status: criteria provided, single submitter. Criteria: ACMG Guidelines, 2015. Collection method: clinical testing. Allele origin: germline.
Comment: This variant is classified as likely benign based on ACMG/AMP sequence variant interpretation guidelines (Richards et al. 2015 PMID: 25741868, with internal and published modifications).

CeGaT Center for Human Genetics Tuebingen
Classification: Likely benign. Last evaluated: 2023-03-01. Review status: criteria provided, single submitter. Criteria: CeGaT Center For Human Genetics Tuebingen Variant Classification Criteria Version 2. Collection method: clinical testing. Allele origin: germline. Affected: yes. Observed: 2 variant alleles.
Comment: POMGNT2: BP4, BP7

GeneDx
Classification: Likely benign. Last evaluated: 2020-05-15. Review status: criteria provided, single submitter. Criteria: GeneDx Variant Classification Process June 2021. Collection method: clinical testing. Allele origin: germline. Affected: yes.

Breakthrough Genomics
Classification: Likely benign. Review status: criteria provided, single submitter. Criteria: ACMG Guidelines, 2015. Collection method: not provided. Allele origin: germline. Inheritance: Autosomal recessive inheritance. Affected: yes.